The following is an entry in ClinVar:

ClinVar aggregate classification (germline): Uncertain significance (1 of 4 stars; one submission).

Allele frequency attached by ClinVar (database versions not stated): TOPMed below 0.00001; gnomAD 0.00001.
gnomAD v4.1: 1 of 1,613,844 alleles (0.000062%); highest among the groups gnomAD compares: East Asian, 0.0022%; no homozygotes.

Submission:

Labcorp Genetics (formerly Invitae), Labcorp
Classification: Uncertain significance. Last evaluated: 2025-06-15. Review status: criteria provided, single submitter. Criteria: Invitae Variant Classification Sherloc (09022015). Collection method: clinical testing. Allele origin: germline.
Comment: This sequence change replaces isoleucine, which is neutral and non-polar, with valine, which is neutral and non-polar, at codon 115 of the BCL11B protein (p.Ile115Val). This variant is present in population databases (no rsID available, gnomAD 0.06%). This variant has not been reported in the literature in individuals affected with BCL11B-related conditions. ClinVar contains an entry for this variant (Variation ID: 1948267). Invitae Evidence Modeling of protein sequence and biophysical properties (such as structural, functional, and spatial information, amino acid conservation, physicochemical variation, residue mobility, and thermodynamic stability) indicates that this missense variant is not expected to disrupt BCL11B protein function with a negative predictive value of 95%. In summary, the available evidence is currently insufficient to determine the role of this variant in disease. Therefore, it has been classified as a Variant of Uncertain Significance.

NM_138576.4(BCL11B):c.343A>G (p.Ile115Val)

Gene: BCL11B (BCL11 transcription factor B; minus strand). Cytogenetic location: 14q32.2.
Variant type: single nucleotide variant.
Coding change: c.343A>G on transcript NM_138576.4 (MANE Select); coding-DNA position 343, A replaced by G.
Protein change: p.Ile115Val; replaces isoleucine 115 with valine.
Molecular consequence: missense variant.
Genome position (GRCh38, 1-based): chr14:99,257,555, T>C on the plus strand (A>G on the coding strand, the complement: BCL11B is on the minus strand). VCF-style: chr14-99257555-T-C. GRCh37 (hg19) VCF-style: chr14-99723892-T-C.
Other names: c.340A>G, p.Ile114Val (NM_001282237.2, NM_001282238.2); c.343A>G, p.Ile115Val (NM_022898.3); short protein forms I114V, I115V.
Identifiers: ClinVar variation 1948267 (VCV001948267.5), dbSNP rs1483358102, ClinGen allele CA390938858.